The following is an entry in ClinVar:

NM_024426.6(WT1):c.1262C>G (p.Thr421Ser)

Gene: WT1 (WT1 transcription factor; minus strand). Cytogenetic location: 11p13.
Variant type: single nucleotide variant.
Coding change: c.1262C>G on transcript NM_024426.6 (MANE Select); coding-DNA position 1262, C replaced by G.
Protein change: p.Thr421Ser; replaces threonine 421 with serine.
Molecular consequence: missense variant. On other transcripts: non-coding transcript variant (1).
Genome position (GRCh38, 1-based): chr11:32,396,259, G>C on the plus strand (C>G on the coding strand, the complement: WT1 is on the minus strand). VCF-style: chr11-32396259-G-C. GRCh37 (hg19) VCF-style: chr11-32417805-G-C.
Other names: c.1211C>G, p.Thr404Ser (NM_000378.6, NM_001407045.1, NM_001407048.1 and 1 more transcripts); c.611C>G, p.Thr204Ser (NM_001198551.2); c.560C>G, p.Thr187Ser (NM_001198552.2); c.74C>G, p.Thr25Ser (NM_001367854.1); c.1256C>G, p.Thr419Ser (NM_001407044.1); c.1262C>G, p.Thr421Ser (NM_001407046.1, NM_024424.5); c.1139C>G, p.Thr380Ser (NM_001407047.1); c.1088C>G, p.Thr363Ser (NM_001407050.1); and 3 more; short protein forms T25S, T399S, T404S, T380S, T421S, T187S, T363S, T416S.
Identifiers: ClinVar variation 2189506 (VCV002189506.5), dbSNP rs1291615896, ClinGen allele CA379959760.
Genomic context (GRCh38, chr11:32,396,259, plus strand): 5'-CCTGGAAAAGGAGCTCTTGAACCATGTTTGCCCAAGACTGGACAGCGGGCACACTTACCA[G>C]TGTGCTTCCTGCTGTGCATCTGTAAGTGGGACAGCTTAAAATATCTCTTATTGCAGCCTG-3'
Protein context (NP_077744.4, residues 411-431): SHLQMHSRKH[Thr421Ser]GEKPYQCDFK

ClinVar aggregate classification (germline): Uncertain significance. Review status: criteria provided, multiple submitters, no conflicts (2 of 4 stars). 2 submissions from 2 submitters: Uncertain significance (2). Last evaluated 2025-10-03.

Conditions:
Frasier syndrome. Identifiers: Orphanet 347, MedGen C0950122, MeSH D052159, MONDO:0007635, OMIM 136680.
Wilms tumor 1 (WT1). Also called: Wilms tumor, somatic. Identifiers: Orphanet 654, MedGen CN033288, MONDO:0008679, OMIM 194070.
11p partial monosomy syndrome (WAGR). Also called: CHROMOSOME 11p13 DELETION SYNDROME; WAGR Complex; WAGR syndrome; WAGR Spectrum Disorder. Identifiers: Orphanet 893, MedGen C0206115, MONDO:0008681, OMIM 194072.
Drash syndrome (DDS). Also called: WILMS TUMOR AND PSEUDO- OR TRUE HERMAPHRODITISM; NEPHROPATHY, WILMS TUMOR, AND GENITAL ANOMALIES. Identifiers: Orphanet 220, MedGen C0950121, MONDO:0008682, OMIM 194080.

Allele frequency attached by ClinVar (database versions not stated): TOPMed below 0.00001; gnomAD 0.00001.
gnomAD v4.1: 1 of 1,614,082 alleles (0.000062%); no homozygotes.

Submissions (2):

Color Diagnostics, LLC DBA Color Health
Classification: Uncertain significance for Wilms tumor 1. Last evaluated: 2025-10-03. Review status: criteria provided, single submitter. Criteria: ACMG Guidelines, 2015. Collection method: clinical testing. Allele origin: germline.
Comment: This missense variant replaces threonine with serine at codon 416 of the WT1 protein. Computational prediction suggests that this variant may not impact protein structure and function. To our knowledge, functional studies have not been reported for this variant. This variant has not been reported in individuals affected with WT1-related disorders in the literature. This variant has been identified in 1/152210 chromosomes in the general population by the Genome Aggregation Database (gnomAD). The available evidence is insufficient to determine the role of this variant in disease conclusively. Therefore, this variant is classified as a Variant of Uncertain Significance.

Labcorp Genetics (formerly Invitae), Labcorp
Classification: Uncertain significance for Wilms tumor 1; Drash syndrome; 11p partial monosomy syndrome; Frasier syndrome. Last evaluated: 2024-04-16. Review status: criteria provided, single submitter. Criteria: Invitae Variant Classification Sherloc (09022015). Collection method: clinical testing. Allele origin: germline.
Comment: This sequence change replaces threonine, which is neutral and polar, with serine, which is neutral and polar, at codon 416 of the WT1 protein (p.Thr416Ser). This variant is not present in population databases (gnomAD no frequency). This variant has not been reported in the literature in individuals affected with WT1-related conditions. ClinVar contains an entry for this variant (Variation ID: 2189506). An algorithm developed to predict the effect of missense changes on protein structure and function (PolyPhen-2) suggests that this variant is likely to be disruptive. In summary, the available evidence is currently insufficient to determine the role of this variant in disease. Therefore, it has been classified as a Variant of Uncertain Significance.